The following is an entry in ClinVar:

ClinVar aggregate classification (germline): Benign. Review status: criteria provided, multiple submitters, no conflicts (2 of 4 stars). 3 submissions from 3 submitters: Benign (3). Last evaluated 2021-06-10.

Conditions:
Miyoshi muscular dystrophy 1 (MMD1). Identifiers: Orphanet 45448, MedGen C4551973, MONDO:0024545, OMIM 254130.

Allele frequency attached by ClinVar (database versions not stated): TOPMed 0.09183; gnomAD 0.09198; 1000 Genomes Project 0.07109; 1000 Genomes Project 30x 0.07292.
gnomAD v4.1: 140,621 of 1,499,440 alleles (9.4%); highest among the groups gnomAD compares: African/African-American, 11%; 6,876 homozygotes.

Submissions (3):

Genome-Nilou Lab
Classification: Benign for Miyoshi muscular dystrophy 1. Last evaluated: 2021-06-10. Review status: criteria provided, single submitter. Criteria: ACMG Guidelines, 2015. Collection method: clinical testing. Allele origin: germline. Affected: no.

GeneDx
Classification: Benign. Last evaluated: 2018-06-19. Review status: criteria provided, single submitter. Criteria: GeneDx Variant Classification (06012015). Collection method: clinical testing. Allele origin: germline. Affected: yes.
Comment: This variant is considered likely benign or benign based on one or more of the following criteria: it is a conservative change, it occurs at a poorly conserved position in the protein, it is predicted to be benign by multiple in silico algorithms, and/or has population frequency not consistent with disease.

Breakthrough Genomics
Classification: Benign. Review status: criteria provided, single submitter. Criteria: ACMG Guidelines, 2015. Collection method: not provided. Allele origin: germline. Inheritance: Autosomal recessive inheritance. Affected: yes.

NM_001130987.2(DYSF):c.1149+54C>T

Gene: DYSF (dysferlin; plus strand). Cytogenetic location: 2p13.2.
Variant type: single nucleotide variant.
Coding change: c.1149+54C>T on transcript NM_001130987.2 (MANE Select); 54 bases into the intron after coding-DNA position 1149, C replaced by T.
Molecular consequence: intron variant.
Genome position (GRCh38, 1-based): chr2:71,520,958, C>T. VCF-style: chr2-71520958-C-T. GRCh37 (hg19) VCF-style: chr2-71748088-C-T.
Other names: c.1146+54C>T (NM_001130979.2, NM_001130981.2, NM_001130980.2); c.1053+54C>T (NM_001130978.2, NM_003494.4, NM_001130977.2 and 1 more transcripts); c.1149+54C>T (NM_001130982.2, NM_001130985.2); c.1056+54C>T (NM_001130983.2, NM_001130455.2, NM_001130984.2 and 1 more transcripts).
Identifiers: ClinVar variation 672453 (VCV000672453.5), dbSNP rs56343439, ClinGen allele CA11017524.